The following is an entry in ClinVar:

ClinVar aggregate classification (germline): Uncertain significance (1 of 4 stars; one submission).

Submission:

Labcorp Genetics (formerly Invitae), Labcorp
Classification: Uncertain significance. Last evaluated: 2022-01-11. Review status: criteria provided, single submitter. Criteria: Invitae Variant Classification Sherloc (09022015). Collection method: clinical testing. Allele origin: germline.
Comment: In summary, the available evidence is currently insufficient to determine the role of this variant in disease. Therefore, it has been classified as a Variant of Uncertain Significance. Advanced modeling of protein sequence and biophysical properties (such as structural, functional, and spatial information, amino acid conservation, physicochemical variation, residue mobility, and thermodynamic stability) performed at Invitae indicates that this missense variant is not expected to disrupt SPTBN2 protein function. This variant has not been reported in the literature in individuals affected with SPTBN2-related conditions. This variant is not present in population databases (gnomAD no frequency). This sequence change replaces threonine, which is neutral and polar, with alanine, which is neutral and non-polar, at codon 2076 of the SPTBN2 protein (p.Thr2076Ala).

NM_006946.4(SPTBN2):c.6226A>G (p.Thr2076Ala)

Gene: SPTBN2 (spectrin beta, non-erythrocytic 2; minus strand). Cytogenetic location: 11q13.2.
Variant type: single nucleotide variant.
Coding change: c.6226A>G on transcript NM_006946.4 (MANE Select); coding-DNA position 6226, A replaced by G.
Protein change: p.Thr2076Ala; replaces threonine 2076 with alanine.
Molecular consequence: missense variant.
Genome position (GRCh38, 1-based): chr11:66,688,658, T>C on the plus strand (A>G on the coding strand, the complement: SPTBN2 is on the minus strand). VCF-style: chr11-66688658-T-C. GRCh37 (hg19) VCF-style: chr11-66456129-T-C.
Other names: c.6247A>G, p.Thr2083Ala (NM_001411025.1); short protein forms T2083A, T2076A.
Identifiers: ClinVar variation 2080396 (VCV002080396.4), dbSNP rs2135314470, ClinGen allele CA381459304.